The following is an entry in ClinVar:

ClinVar aggregate classification (germline): Pathogenic. Review status: criteria provided, multiple submitters, no conflicts (2 of 4 stars). 3 submissions from 3 submitters: Pathogenic (3). Last evaluated 2025-08-14.

Conditions:
CHARGE syndrome (CHARGE). Also called: CHARGE ASSOCIATION--COLOBOMA, HEART ANOMALY, CHOANAL ATRESIA, RETARDATION, GENITAL AND EAR ANOMALIES; Hittner Hirsch Kreh syndrome; Coloboma, heart anomaly, choanal atresia, retardation, genital and ear anomalies; CHARGE association; Hall-Hittner syndrome. Identifiers: Orphanet 138, MedGen C0265354, MONDO:0008965.

Submissions (3):

Labcorp Genetics (formerly Invitae), Labcorp
Classification: Pathogenic for CHARGE syndrome. Last evaluated: 2025-08-14. Review status: criteria provided, single submitter. Criteria: Invitae Variant Classification Sherloc (09022015). Collection method: clinical testing. Allele origin: germline.
Comment: This sequence change creates a premature translational stop signal (p.Thr64Serfs*2) in the CHD7 gene. It is expected to result in an absent or disrupted protein product. Loss-of-function variants in CHD7 are known to be pathogenic (PMID: 22461308, 25077900). This variant is not present in population databases (gnomAD no frequency). This premature translational stop signal has been observed in individual(s) with CHARGE syndrome (PMID: 21158681). For these reasons, this variant has been classified as Pathogenic.

3billion
Classification: Pathogenic for CHD7-related CHARGE syndrome. Last evaluated: 2023-07-04. Review status: criteria provided, single submitter. Criteria: ACMG Guidelines, 2015. Collection method: clinical testing. Allele origin: germline. Affected: yes.
Comment: The variant is not observed in the gnomAD v2.1.1 dataset. Predicted Consequence/Location: Frameshift: predicted to result in a loss or disruption of normal protein function through nonsense-mediated decay (NMD) or protein truncation. Multiple pathogenic variants are reported downstream of the variant. The variant has been reported to be associated with CHD7 related disorder (ClinVar ID: VCV000158281 /PMID: 21158681). Therefore, this variant is classified as Pathogenic according to the recommendation of ACMG/AMP guideline.

Genetic Services Laboratory, University of Chicago
Classification: Pathogenic for CHARGE syndrome. Last evaluated: 2013-02-08. Review status: criteria provided, single submitter. Criteria: ACMG Guidelines, 2007. Collection method: clinical testing. Allele origin: germline. Inheritance: Autosomal dominant inheritance. Affected: yes.

Literature cited by the submitters: PubMed 22461308 (cited by Labcorp Genetics (formerly Invitae), Labcorp); PubMed 25077900 (cited by Labcorp Genetics (formerly Invitae), Labcorp); PubMed 21158681 (cited by Labcorp Genetics (formerly Invitae), Labcorp and 3billion).

NM_017780.4(CHD7):c.191_194del (p.Thr64fs)

Gene: CHD7 (chromodomain helicase DNA binding protein 7; plus strand). Cytogenetic location: 8q12.2.
Variant type: Microsatellite.
Coding change: c.191_194del on transcript NM_017780.4 (MANE Select); coding-DNA positions 191 to 194, 4 bases deleted (CAAA; older notation c.191_194delCAAA).
Protein change: p.Thr64fs; shifts the reading frame from threonine 64.
Molecular consequence: frameshift variant.
Genome position (GRCh38, 1-based): chr8:60,741,623-60,741,626, CAAA deleted; deleting any 4 consecutive bases within chr8:60,741,619-60,741,626 gives the same sequence; the c. name uses the placement nearest the transcript's 3' end. VCF-style (leftmost placement, unchanged base first): chr8-60741618-TCAAA-T. GRCh37 (hg19) VCF-style: chr8-61654177-TCAAA-T.
Other names: c.191_194del, p.Thr64fs (NM_001316690.1); short protein forms T64fs.
Identifiers: ClinVar variation 158281 (VCV000158281.8), dbSNP rs587783431, ClinGen allele CA271286.